The following is an entry in ClinVar:

ClinVar aggregate classification (germline): Pathogenic/Likely pathogenic. Review status: criteria provided, multiple submitters, no conflicts (2 of 4 stars). 3 submissions from 3 submitters: Pathogenic (1); Likely pathogenic (1). 1 of the submissions does not count toward it. Last evaluated 2023-08-30.

Conditions:
Cognitive impairment - coarse facies - heart defects - obesity - pulmonary involvement - short stature - skeletal dysplasia syndrome. Also called: COGNITIVE IMPAIRMENT, COARSE FACIES, HEART DEFECTS, OBESITY, PULMONARY INVOLVEMENT, SHORT STATURE, AND SKELETAL DYSPLASIA; Chops syndrome; AFF4-Related CHOPS Syndrome. Identifiers: Orphanet 444077, MedGen C4085597, MONDO:0014609, OMIM 616368.

Submissions (3):

GeneDx
Classification: Pathogenic. Last evaluated: 2023-08-30. Review status: criteria provided, single submitter. Criteria: GeneDx Variant Classification Process June 2021. Collection method: clinical testing. Allele origin: germline. Affected: yes.
Comment: Published functional studies demonstrate a gain of function effect via resistance to proteosomal degradation (Izumi et al., 2015); Not observed at significant frequency in large population cohorts (gnomAD); In silico analysis supports that this missense variant has a deleterious effect on protein structure/function; This variant is associated with the following publications: (PMID: 34782754, 34803598, 36629390, 33961779, 31058441, 25730767)

Equipe Genetique des Anomalies du Developpement, Université de Bourgogne
Classification: Likely pathogenic for Cognitive impairment - coarse facies - heart defects - obesity - pulmonary involvement - short stature - skeletal dysplasia syndrome. Review status: criteria provided, single submitter. Criteria: ACMG Guidelines, 2015. Collection method: clinical testing. Allele origin: de novo. Affected: yes.

OMIM
Classification: Pathogenic for CHOPS SYNDROME. Last evaluated: 2015-04-01. Review status: no assertion criteria provided. Collection method: literature only. Allele origin: germline. Not counted in ClinVar's aggregate classification.

Literature cited by the submitters: PubMed 34782754 (cited by Equipe Genetique des Anomalies du Developpement, Université de Bourgogne); PubMed 25730767 (cited by OMIM).

NM_014423.4(AFF4):c.761C>G (p.Thr254Ser)

Gene: AFF4 (ALF transcription elongation factor 4; minus strand). Cytogenetic location: 5q31.1.
Variant type: single nucleotide variant.
Coding change: c.761C>G on transcript NM_014423.4 (MANE Select); coding-DNA position 761, C replaced by G.
Protein change: p.Thr254Ser; replaces threonine 254 with serine.
Molecular consequence: missense variant.
Genome position (GRCh38, 1-based): chr5:132,934,304, G>C on the plus strand (C>G on the coding strand, the complement: AFF4 is on the minus strand). VCF-style: chr5-132934304-G-C. GRCh37 (hg19) VCF-style: chr5-132269996-G-C.
Other names: short protein forms T254S.
Identifiers: ClinVar variation 190330 (VCV000190330.7), dbSNP rs786205679, ClinGen allele CA199679.